The following is an entry in ClinVar:

NM_021076.4(NEFH):c.926_940dup (p.Ser313_Ala314insAspAlaMetArgSer)

Gene: NEFH (neurofilament heavy chain; plus strand). Cytogenetic location: 22q12.2.
Variant type: Duplication.
Coding change: c.926_940dup on transcript NM_021076.4 (MANE Select); coding-DNA positions 926 to 940, 15 bases duplicated (ACGCTATGCGCTCAG).
Protein change: p.Ser313_Ala314insAspAlaMetArgSer.
Molecular consequence: inframe insertion.
Genome position (GRCh38, 1-based): chr22:29,483,417-29,483,431, ACGCTATGCGCTCAG duplicated; duplicating any 15 consecutive bases within chr22:29,483,414-29,483,431 gives the same sequence; the c. name uses the placement nearest the transcript's 3' end. VCF-style (leftmost placement, unchanged base first): chr22-29483413-A-ACAGACGCTATGCGCT. GRCh37 (hg19) VCF-style: chr22-29879402-A-ACAGACGCTATGCGCT.
Identifiers: ClinVar variation 3607611 (VCV003607611.2).

ClinVar aggregate classification (germline): Uncertain significance (1 of 4 stars; one submission).

Submission:

Labcorp Genetics (formerly Invitae), Labcorp
Classification: Uncertain significance. Last evaluated: 2025-02-23. Review status: criteria provided, single submitter. Criteria: Invitae Variant Classification Sherloc (09022015). Collection method: clinical testing. Allele origin: germline.
Comment: This variant, c.926_940dup, results in the insertion of 5 amino acid(s) of the NEFH protein (p.Asp309_Ser313dup), but otherwise preserves the integrity of the reading frame. This variant is present in population databases (no rsID available, gnomAD 0.0009%). This variant has not been reported in the literature in individuals affected with NEFH-related conditions. Experimental studies and prediction algorithms are not available or were not evaluated, and the functional significance of this variant is currently unknown. In summary, the available evidence is currently insufficient to determine the role of this variant in disease. Therefore, it has been classified as a Variant of Uncertain Significance.